The following is an entry in ClinVar:

ClinVar aggregate classification (germline): Uncertain significance. Review status: criteria provided, multiple submitters, no conflicts (2 of 4 stars). 5 submissions from 5 submitters: Uncertain significance (5). Last evaluated 2025-12-29.

Conditions:
Cardiovascular phenotype. Identifiers: MedGen CN230736.
Hypertrophic cardiomyopathy 4. Also called: Familial hypertrophic cardiomyopathy 4. Identifiers: MedGen C1861862, MONDO:0007268, OMIM 115197.
Hypertrophic cardiomyopathy. Also called: HYPERTROPHIC MYOCARDIOPATHY. Identifiers: Orphanet 217569, MedGen C0007194, MeSH D002312, MONDO:0005045, HP:0001639.

Allele frequency attached by ClinVar (database versions not stated): gnomAD exomes below 0.00001; gnomAD 0.00001 and 0.00002; TOPMed 0.00001.
gnomAD v4.1: 4 of 1,611,860 alleles (0.00025%); highest among the groups gnomAD compares: African/African-American, 0.004%; no homozygotes.

Submissions (5):

Labcorp Genetics (formerly Invitae), Labcorp
Classification: Uncertain significance for Hypertrophic cardiomyopathy. Last evaluated: 2025-12-29. Review status: criteria provided, single submitter. Criteria: Invitae Variant Classification Sherloc (09022015). Collection method: clinical testing. Allele origin: germline.
Comment: This sequence change replaces leucine, which is neutral and non-polar, with proline, which is neutral and non-polar, at codon 199 of the MYBPC3 protein (p.Leu199Pro). This variant is not present in population databases (gnomAD no frequency). This missense change has been observed in individual(s) with dilated cardiomyopathy and/or hypertrophic cardiomyopathy (PMID: 30762279, 32009526, 37652022). ClinVar contains an entry for this variant (Variation ID: 237430). An algorithm developed to predict the effect of missense changes on protein structure and function (PolyPhen-2) suggests that this variant is likely to be disruptive. In summary, the available evidence is currently insufficient to determine the role of this variant in disease. Therefore, it has been classified as a Variant of Uncertain Significance.

Women's Health and Genetics/Laboratory Corporation of America, LabCorp
Classification: Uncertain significance. Last evaluated: 2025-06-30. Review status: criteria provided, single submitter. Criteria: LabCorp Variant Classification Summary - May 2015. Collection method: clinical testing. Allele origin: germline.
Comment: Variant summary: MYBPC3 c.596T>C (p.Leu199Pro) results in a non-conservative amino acid change in the encoded protein sequence. Algorithms developed to predict the effect of missense changes on protein structure and function all suggest that this variant is likely to be disruptive. The variant was absent in 245752 control chromosomes. The available data on variant occurrences in the general population are insufficient to allow any conclusion about variant significance. c.596T>C has been observed in the heterozygous state in an individual affected with hypertrophic cardiomyopathy and an individual with dilated cardiomyopathy who also carried variants in MAP2K2 and SOS1 (McGurk_2023, Aljeaid_2019). These report(s) do not provide unequivocal conclusions about association of the variant with Cardiomyopathy. To our knowledge, no experimental evidence demonstrating an impact on protein function has been reported. The following publications have been ascertained in the context of this evaluation (PMID: 30762279, 37652022). ClinVar contains an entry for this variant (Variation ID: 237430). Based on the evidence outlined above, the variant was classified as uncertain significance.

Ambry Genetics
Classification: Uncertain significance for Cardiovascular phenotype. Last evaluated: 2022-12-13. Review status: criteria provided, single submitter. Criteria: Ambry Variant Classification Scheme 2023. Collection method: clinical testing. Allele origin: germline.
Comment: The p.L199P variant (also known as c.596T>C), located in coding exon 5 of the MYBPC3 gene, results from a T to C substitution at nucleotide position 596. The leucine at codon 199 is replaced by proline, an amino acid with similar properties. This variant co-occurred with variants in the SOS1 and MAP2K2 genes in an individual with dilated cardiomyopathy (Aljeaid D et al. Am J Med Genet A, 2019 Apr;179:608-614). This variant has also been detected in a hypertrophic cardiomyopathy cohort (Harper AR et al. Nat Genet, 2021 Feb;53:135-142). This amino acid position is highly conserved in available vertebrate species. In addition, this alteration is predicted to be deleterious by in silico analysis. Since supporting evidence is limited at this time, the clinical significance of this alteration remains unclear.

Victorian Clinical Genetics Services, Murdoch Childrens Research Institute
Classification: Uncertain significance for Hypertrophic cardiomyopathy 4. Last evaluated: 2022-02-02. Review status: criteria provided, single submitter. Criteria: ACMG Guidelines, 2015. Collection method: clinical testing. Allele origin: germline. Affected: yes.
Comment: Based on the classification scheme VCGS_Germline_v1.3.4, this variant is classified as VUS-3B. Following criteria are met: 0102 - Loss of function is a known mechanism of disease in this gene and is associated with hypertrophic cardiomyopathy 4 (HCM; MIM#115197). (I) 0108 - This gene is associated with both recessive and dominant disease. Dominant inheritance is frequently reported in adult onset conditions, however recessive inheritance results in a more severe early onset phenotype (OMIM). (I) 0115 - Variants in this gene are known to have variable expressivity (PMID: 32841044). (I) 0200 - Variant is predicted to result in a missense amino acid change from leucine to proline. (I) 0251 - This variant is heterozygous. (I) 0302 - Variant is present in gnomAD (v3) <0.001 for a dominant condition (2 heterozygotes, 0 homozygotes). (SP) 0502 - Missense variant with conflicting in silico predictions and uninformative conservation. (I) 0600 - Variant is located in the annotated Ig-like C2-type 1 domain (UniProt). (I) 0710 - Another missense variant comparable to the one identified in this case has inconclusive previous evidence for pathogenicity. This alternative change (p.(Leu199Arg)) has been reported as a VUS and observed in an individual with dilated cardiomyopathy (DCM) (LOVD, PMID: 27532257). (I) 0809 - Previous evidence of pathogenicity for this variant is inconclusive. This variant has been reported as a VUS. It has been observed in a cohort with HCM, in another individual with cardiomyopathy and an additional VUS in the LMNA gene, and a third individual wth DCM and additional VUS in the SOS1 and MAP2K2 genes. In this latter individual, this variant was regarded as likely disease causing (ClinVar, PMID: 33495597, PMID: 30762279, PMID: 32009526). (I) 0905 - No published segregation evidence has been identified for this variant. (I) 1007 - No published functional evidence has been identified for this variant. (I) 1208 - Inheritance information for this variant is not currently available in this individual. (I) Legend: (SP) - Supporting pathogenic, (I) - Information, (SB) - Supporting benign

GeneDx
Classification: Uncertain significance. Last evaluated: 2019-12-18. Review status: criteria provided, single submitter. Criteria: GeneDx Variant Classification Process June 2021. Collection method: clinical testing. Allele origin: germline. Affected: yes.
Comment: Published in an individual with DCM, who also harbored a variant in the SOS1 gene (Aljeaid et al., 2019); Not observed in large population cohorts (Lek et al., 2016); In silico analysis, which includes protein predictors and evolutionary conservation, supports a deleterious effect; Reported in ClinVar but additional evidence is not available (ClinVar Variant ID# 237430; Landrum et al., 2016); This variant is associated with the following publications: (PMID: 30762279)

Literature cited by the submitters: PubMed 30762279 (cited by 4 submitters); PubMed 32009526 (cited by Labcorp Genetics (formerly Invitae), Labcorp and Victorian Clinical Genetics Services, Murdoch Childrens Research Institute); PubMed 37652022 (cited by Labcorp Genetics (formerly Invitae), Labcorp and Women's Health and Genetics/Laboratory Corporation of America, LabCorp); PubMed 33495597 (cited by Ambry Genetics and Victorian Clinical Genetics Services, Murdoch Childrens Research Institute); PubMed 27532257 (cited by Victorian Clinical Genetics Services, Murdoch Childrens Research Institute); PubMed 32841044 (cited by Victorian Clinical Genetics Services, Murdoch Childrens Research Institute).

NM_000256.3(MYBPC3):c.596T>C (p.Leu199Pro)

Gene: MYBPC3 (myosin binding protein C3; minus strand). Cytogenetic location: 11p11.2.
Variant type: single nucleotide variant.
Coding change: c.596T>C on transcript NM_000256.3 (MANE Select); coding-DNA position 596, T replaced by C.
Protein change: p.Leu199Pro; replaces leucine 199 with proline.
Molecular consequence: missense variant.
Genome position (GRCh38, 1-based): chr11:47,349,832, A>G on the plus strand (T>C on the coding strand, the complement: MYBPC3 is on the minus strand). VCF-style: chr11-47349832-A-G. GRCh37 (hg19) VCF-style: chr11-47371383-A-G.
Other names: c.596T>C, p.Leu199Pro (LRG_386t1); short protein forms L199P.
Identifiers: ClinVar variation 237430 (VCV000237430.16), dbSNP rs878853835, ClinGen allele CA10582921.